The following is an entry in ClinVar:

NM_003242.6(TGFBR2):c.555C>T (p.Ile185=)

Gene: TGFBR2 (transforming growth factor beta receptor 2; plus strand). Cytogenetic location: 3p24.1.
Variant type: single nucleotide variant.
Coding change: c.555C>T on transcript NM_003242.6 (MANE Select); coding-DNA position 555, C replaced by T.
Protein change: p.Ile185=; no amino-acid change (isoleucine 185 retained).
Molecular consequence: synonymous variant. On other transcripts: intron variant (1).
Genome position (GRCh38, 1-based): chr3:30,671,738, C>T. VCF-style: chr3-30671738-C-T. GRCh37 (hg19) VCF-style: chr3-30713230-C-T.
Other names: c.630C>T, p.Ile210= (NM_001024847.3); c.738C>T, p.Ile246= (NM_001407126.1); c.663C>T, p.Ile221= (NM_001407127.1); c.582C>T, p.Ile194= (NM_001407128.1); c.558C>T, p.Ile186= (NM_001407129.1); c.555C>T, p.Ile185= (NM_001407130.1); c.450C>T, p.Ile150= (NM_001407132.1, NM_001407133.1, NM_001407134.1 and 2 more transcripts); c.270C>T, p.Ile90= (NM_001407137.1); and 2 more.
Identifiers: ClinVar variation 2144655 (VCV002144655.6), dbSNP rs201685723, ClinGen allele CA049225.

ClinVar aggregate classification (germline): Likely benign. Review status: criteria provided, multiple submitters, no conflicts (2 of 4 stars). 3 submissions from 3 submitters: Likely benign (3). Last evaluated 2024-02-05.

Conditions:
Familial thoracic aortic aneurysm and aortic dissection (TAAD). Also called: Thoracic aortic aneurysms and dissections. Identifiers: Orphanet 91387, MedGen C4707243, MONDO:0019625.
Loeys-Dietz syndrome 2 (LDS2). Also called: Marfan Syndrome type 2; Marfan like connective tissue disorder; MFS 2; TGFBR2-Related Loeys-Dietz Syndrome; AORTIC ANEURYSM, FAMILIAL THORACIC 3; MARFAN SYNDROME, TYPE II. Identifiers: Orphanet 284973, Orphanet 558, MedGen C2674574, MONDO:0012427, OMIM 610168.

Allele frequency attached by ClinVar (database versions not stated): ExAC 0.00002; gnomAD 0.00002; 1000 Genomes Project 30x 0.00047; 1000 Genomes Project 0.00060.
gnomAD v4.1: 3 of 1,614,198 alleles (0.00019%); highest among the groups gnomAD compares: African/African-American, 0.004%; no homozygotes.

Submissions (3):

All of Us Research Program, National Institutes of Health
Classification: Likely benign for Loeys-Dietz syndrome 2. Last evaluated: 2024-02-05. Review status: criteria provided, single submitter. Criteria: ACMG Guidelines, 2015. Collection method: clinical testing. Allele origin: germline. Inheritance: Autosomal dominant inheritance. Observed: 1 variant allele, 1 heterozygote.
Comment: This study involves interpretation of variants in research participants for the purpose of population health screening. Participant phenotype was not available at the time of variant classification. Additional details can be found in publication PMID: 35346344, PMCID: PMC8962531

Blueprint Genetics
Classification: Likely benign. Last evaluated: 2022-11-24. Review status: criteria provided, single submitter. Criteria: ACMG Guidelines, 2015. Collection method: clinical testing. Allele origin: germline.

Labcorp Genetics (formerly Invitae), Labcorp
Classification: Likely benign for Familial thoracic aortic aneurysm and aortic dissection. Last evaluated: 2022-06-08. Review status: criteria provided, single submitter. Criteria: Invitae Variant Classification Sherloc (09022015). Collection method: clinical testing. Allele origin: germline.